The following is an entry in ClinVar:

ClinVar aggregate classification (germline): Uncertain significance (1 of 4 stars; one submission).

Submission:

Labcorp Genetics (formerly Invitae), Labcorp
Classification: Uncertain significance. Last evaluated: 2024-10-29. Review status: criteria provided, single submitter. Criteria: Invitae Variant Classification Sherloc (09022015). Collection method: clinical testing. Allele origin: germline.
Comment: This sequence change replaces serine, which is neutral and polar, with tyrosine, which is neutral and polar, at codon 1216 of the WDR62 protein (p.Ser1216Tyr). This variant is not present in population databases (gnomAD no frequency). This variant has not been reported in the literature in individuals affected with WDR62-related conditions. ClinVar contains an entry for this variant (Variation ID: 1971956). An algorithm developed to predict the effect of missense changes on protein structure and function (PolyPhen-2) suggests that this variant is likely to be disruptive. In summary, the available evidence is currently insufficient to determine the role of this variant in disease. Therefore, it has been classified as a Variant of Uncertain Significance.

NM_001083961.2(WDR62):c.3647C>A (p.Ser1216Tyr)

Gene: WDR62 (WD repeat domain 62; plus strand). Cytogenetic location: 19q13.12.
Variant type: single nucleotide variant.
Coding change: c.3647C>A on transcript NM_001083961.2 (MANE Select); coding-DNA position 3647, C replaced by A.
Protein change: p.Ser1216Tyr; replaces serine 1216 with tyrosine.
Molecular consequence: missense variant.
Genome position (GRCh38, 1-based): chr19:36,103,475, C>A. VCF-style: chr19-36103475-C-A. GRCh37 (hg19) VCF-style: chr19-36594377-C-A.
Other names: c.3632C>A, p.Ser1211Tyr (NM_001411145.1, NM_173636.5); c.3398C>A, p.Ser1133Tyr (NM_001411146.1); c.3296C>A, p.Ser1099Tyr (NM_001411147.1); short protein forms S1099Y, S1211Y, S1216Y, S1133Y.
Identifiers: ClinVar variation 1971956 (VCV001971956.5), dbSNP rs758149860, ClinGen allele CA405457206.